The following is an entry in ClinVar:

NM_000719.7(CACNA1C):c.4727-61G>A

Gene: CACNA1C (calcium voltage-gated channel subunit alpha1 C; plus strand). Cytogenetic location: 12p13.33.
Variant type: single nucleotide variant.
Coding change: c.4727-61G>A on transcript NM_000719.7 (MANE Select); 61 bases into the intron before coding-DNA position 4727, G replaced by A.
Molecular consequence: intron variant.
Genome position (GRCh38, 1-based): chr12:2,674,480, G>A. VCF-style: chr12-2674480-G-A. GRCh37 (hg19) VCF-style: chr12-2783646-G-A.
Other names: c.4727-4G>A (NM_001129834.1, NM_001129833.2, NM_001129834.2 and 1 more transcripts); c.4871-61G>A (NM_199460.3, NM_199460.4, NM_001129827.2); c.4727-61G>A (NM_001167624.3, NM_001167623.2, NM_001129840.2 and 4 more transcripts); c.4694-61G>A (NM_001167625.2, NM_001129846.2); c.4787-61G>A (NM_001129832.2); c.4811-61G>A (NM_001129831.2); c.4793-4G>A (NM_001129829.2); c.4694-4G>A (NM_001129837.2, NM_001129838.2); and 3 more.
Identifiers: ClinVar variation 806772 (VCV000806772.44), dbSNP rs761831470, ClinGen allele CA6389607.

ClinVar aggregate classification (germline): Conflicting classifications of pathogenicity. Review status: criteria provided, conflicting classifications (1 of 4 stars). 3 submissions from 3 submitters: Uncertain significance (1); Likely benign (2). Last evaluated 2025-04-09.

Conditions:
CACNA1C-related disorder. Also called: CACNA1C-related condition; CACNA1C-related disorders. Identifiers: MedGen CN381092, MONDO:0700321.

Allele frequency attached by ClinVar (database versions not stated): gnomAD exomes 0.00002 and 0.00005; gnomAD 0.00003 and 0.00004; TOPMed 0.00005; ExAC 0.00007.
gnomAD v4.1: 34 of 1,525,166 alleles (0.0022%); highest among the groups gnomAD compares: Admixed American, 0.014%; no homozygotes.

Submissions (3):

Molecular Diagnostic Laboratory for Inherited Cardiovascular Disease, Montreal Heart Institute
Classification: Likely benign. Last evaluated: 2025-04-09. Review status: criteria provided, single submitter. Criteria: ACMG Guidelines, 2015. Collection method: clinical testing. Allele origin: germline. Affected: no.

PreventionGenetics, part of Exact Sciences
Classification: Likely benign for CACNA1C-related condition. Last evaluated: 2025-02-10. Review status: criteria provided, single submitter. Criteria: ACMG Guidelines, 2015. Collection method: clinical testing. Allele origin: germline.
Comment: This variant is classified as likely benign based on ACMG/AMP sequence variant interpretation guidelines (Richards et al. 2015 PMID: 25741868, with internal and published modifications).

CeGaT Center for Human Genetics Tuebingen
Classification: Uncertain significance. Last evaluated: 2019-04-01. Review status: criteria provided, single submitter. Criteria: CeGaT Center For Human Genetics Tuebingen Variant Classification Criteria Version 2. Collection method: clinical testing. Allele origin: germline. Affected: yes. Observed: 1 variant allele.